The following is an entry in ClinVar:

ClinVar aggregate classification (germline): Uncertain significance (1 of 4 stars; one submission).

Conditions:
Neuropathy, hereditary sensory, type 2C. Also called: KIF1A-Related HSAN2 (HSAN2C); Hereditary sensory and autonomic neuropathy type IIC. Identifiers: Orphanet 970, MedGen C3280168, MONDO:0013634, OMIM 614213.
Hereditary spastic paraplegia 30. Identifiers: Orphanet 101010, MedGen C5235139, MONDO:0012476.
Intellectual disability, autosomal dominant 9 (NESCAVS). Also called: NESCAV SYNDROME; KIF1A-Related Neurodevelopmental Disorder. Identifiers: Orphanet 662367, MedGen C5393830, MONDO:0013656, OMIM 614255.

gnomAD v4.1: 2 of 1,612,432 alleles (0.00012%); no homozygotes.

Submission:

Labcorp Genetics (formerly Invitae), Labcorp
Classification: Uncertain significance for Hereditary spastic paraplegia 30; Neuropathy, hereditary sensory, type 2C; Intellectual disability, autosomal dominant 9. Last evaluated: 2024-12-24. Review status: criteria provided, single submitter. Criteria: Invitae Variant Classification Sherloc (09022015). Collection method: clinical testing. Allele origin: germline.
Comment: This sequence change replaces alanine, which is neutral and non-polar, with glycine, which is neutral and non-polar, at codon 892 of the KIF1A protein (p.Ala892Gly). This variant is not present in population databases (gnomAD no frequency). This variant has not been reported in the literature in individuals affected with KIF1A-related conditions. ClinVar contains an entry for this variant (Variation ID: 2946476). An algorithm developed to predict the effect of missense changes on protein structure and function (PolyPhen-2) suggests that this variant is likely to be tolerated. In summary, the available evidence is currently insufficient to determine the role of this variant in disease. Therefore, it has been classified as a Variant of Uncertain Significance.

NM_001244008.2(KIF1A):c.2978C>G (p.Ala993Gly)

Gene: KIF1A (kinesin family member 1A; minus strand). Cytogenetic location: 2q37.3.
Variant type: single nucleotide variant.
Coding change: c.2978C>G on transcript NM_001244008.2 (MANE Select); coding-DNA position 2978, C replaced by G.
Protein change: p.Ala993Gly; replaces alanine 993 with glycine.
Molecular consequence: missense variant.
Genome position (GRCh38, 1-based): chr2:240,747,321, G>C on the plus strand (C>G on the coding strand, the complement: KIF1A is on the minus strand). VCF-style: chr2-240747321-G-C. GRCh37 (hg19) VCF-style: chr2-241686738-G-C.
Other names: c.2702C>G, p.Ala901Gly (NM_001320705.2, NM_001330289.2, NM_001379638.1); c.2777C>G, p.Ala926Gly (NM_001330290.2, NM_001379634.1, NM_001379635.1 and 1 more transcripts); c.3053C>G, p.Ala1018Gly (NM_001379631.1); c.2927C>G, p.Ala976Gly (NM_001379632.1); c.2951C>G, p.Ala984Gly (NM_001379633.1, NM_001379642.1, NM_001379645.1); c.2675C>G, p.Ala892Gly (NM_001379636.1, NM_001379639.1, NM_001379640.1 and 7 more transcripts); c.2750C>G, p.Ala917Gly (NM_001379637.1, NM_001379648.1); short protein forms A1018G, A901G, A984G, A917G, A892G, A926G, A976G, A993G.
Identifiers: ClinVar variation 2946476 (VCV002946476.3), dbSNP rs2048715883, ClinGen allele CA351319449.